The following is an entry in ClinVar:

ClinVar aggregate classification (germline): Uncertain significance (1 of 4 stars; one submission).

Conditions:
Hereditary cancer-predisposing syndrome. Also called: Neoplastic Syndromes, Hereditary; Tumor predisposition; Hereditary Cancer Syndrome; Hereditary neoplastic syndrome. Identifiers: Orphanet 140162, MedGen C0027672, MeSH D009386, MONDO:0015356.

Submission:

Ambry Genetics
Classification: Uncertain significance for Hereditary cancer-predisposing syndrome. Last evaluated: 2025-12-17. Review status: criteria provided, single submitter. Criteria: Ambry Variant Classification Scheme 2023. Collection method: clinical testing. Allele origin: germline.
Comment: The p.L1293R variant (also known as c.3878T>G), located in coding exon 23 of the PTCH1 gene, results from a T to G substitution at nucleotide position 3878. The leucine at codon 1293 is replaced by arginine, an amino acid with dissimilar properties. This amino acid position is conserved. In addition, the in silico prediction for this alteration is inconclusive. Based on the available evidence, the clinical significance of this variant remains unclear.

NM_000264.5(PTCH1):c.3878T>G (p.Leu1293Arg)

Gene: PTCH1 (patched 1; minus strand). Cytogenetic location: 9q22.32.
Variant type: single nucleotide variant.
Coding change: c.3878T>G on transcript NM_000264.5 (MANE Select); coding-DNA position 3878, T replaced by G.
Protein change: p.Leu1293Arg; replaces leucine 1293 with arginine.
Molecular consequence: missense variant. On other transcripts: non-coding transcript variant (1).
Genome position (GRCh38, 1-based): chr9:95,447,378, A>C on the plus strand (T>G on the coding strand, the complement: PTCH1 is on the minus strand). VCF-style: chr9-95447378-A-C. GRCh37 (hg19) VCF-style: chr9-98209660-A-C.
Other names: c.3425T>G, p.Leu1142Arg (NM_001083604.3, NM_001083605.3, NM_001083606.3 and 1 more transcripts); c.3722T>G, p.Leu1241Arg (NM_001354918.2); c.3680T>G, p.Leu1227Arg (NM_001083602.3); c.3875T>G, p.Leu1292Arg (NM_001083603.3); short protein forms L1227R, L1142R, L1241R, L1292R, L1293R.
Identifiers: ClinVar variation 4825043 (VCV004825043.1).